The following is an entry in ClinVar:

NM_000548.5(TSC2):c.4908C>A (p.Asp1636Glu)

Gene: TSC2 (TSC complex subunit 2; plus strand). Cytogenetic location: 16p13.3.
Variant type: single nucleotide variant.
Coding change: c.4908C>A on transcript NM_000548.5 (MANE Select); coding-DNA position 4908, C replaced by A.
Protein change: p.Asp1636Glu; replaces aspartic acid 1636 with glutamic acid.
Molecular consequence: missense variant. On other transcripts: non-coding transcript variant (5).
Genome position (GRCh38, 1-based): chr16:2,086,790, C>A. VCF-style: chr16-2086790-C-A. GRCh37 (hg19) VCF-style: chr16-2136791-C-A.
Other names: c.4239C>A, p.Asp1413Glu (NM_001406683.1, NM_001406682.1); c.4236C>A, p.Asp1412Glu (NM_001406684.1); c.4110C>A, p.Asp1370Glu (NM_001406685.1, NM_001406686.1); c.4107C>A, p.Asp1369Glu (NM_001406687.1, NM_001406688.1); c.3495C>A, p.Asp1165Glu (NM_001406689.1); c.3435C>A, p.Asp1145Glu (NM_001406690.1); c.3432C>A, p.Asp1144Glu (NM_001406691.1); c.3366C>A, p.Asp1122Glu (NM_001406692.1, NM_001406693.1, NM_001406694.1); and 26 more; short protein forms D1144E, D1165E, D1370E, D1520E, D1564E, D1593E, D1612E, D1392E.
Identifiers: ClinVar variation 2738953 (VCV002738953.4), dbSNP rs115200071, ClinGen allele CA394308488.
Genomic context (GRCh38, chr16:2,086,790, plus strand): 5'-AGCCGTCTTCCACATCGCCACCCTGATGCCCACCAAGGACGTGGACAAGCACCGCTGCGA[C>A]AAGAAGCGCCACCTGGGCAACGACTTTGTGTCCATTGTCTACAATGACTCCGGTGAGGAC-3'
Protein context (NP_000539.2, residues 1626-1646): PTKDVDKHRC[Asp1636Glu]KKRHLGNDFV

ClinVar aggregate classification (germline): Uncertain significance. Review status: criteria provided, multiple submitters, no conflicts (2 of 4 stars). 2 submissions from 2 submitters: Uncertain significance (2). Last evaluated 2026-07-02.

Conditions:
Tuberous sclerosis 2 (TSC2). Identifiers: Orphanet 805, MedGen C1860707, MONDO:0013199, OMIM 613254.
Hereditary cancer-predisposing syndrome. Also called: Hereditary Cancer Syndrome; Hereditary neoplastic syndrome; Neoplastic Syndromes, Hereditary; Tumor predisposition. Identifiers: Orphanet 140162, MedGen C0027672, MeSH D009386, MONDO:0015356.

gnomAD v4.1: 1 of 1,611,574 alleles (0.000062%); highest among the groups gnomAD compares: Non-Finnish European, 0.000085%; no homozygotes.

Submissions (2):

Ambry Genetics
Classification: Uncertain significance for Hereditary cancer-predisposing syndrome. Last evaluated: 2026-07-02. Review status: criteria provided, single submitter. Criteria: Ambry Variant Classification Scheme 2023. Collection method: clinical testing. Allele origin: germline.
Comment: The p.D1636E variant (also known as c.4908C>A), located in coding exon 37 of the TSC2 gene, results from a C to A substitution at nucleotide position 4908. The aspartic acid at codon 1636 is replaced by glutamic acid, an amino acid with highly similar properties. This amino acid position is conserved. In addition, the in silico prediction for this alteration is inconclusive. Based on the available evidence, the clinical significance of this variant remains unclear.

Labcorp Genetics (formerly Invitae), Labcorp
Classification: Uncertain significance for Tuberous sclerosis 2. Last evaluated: 2023-08-03. Review status: criteria provided, single submitter. Criteria: Invitae Variant Classification Sherloc (09022015). Collection method: clinical testing. Allele origin: germline.
Comment: This variant is not present in population databases (gnomAD no frequency). In summary, the available evidence is currently insufficient to determine the role of this variant in disease. Therefore, it has been classified as a Variant of Uncertain Significance. Advanced modeling of protein sequence and biophysical properties (such as structural, functional, and spatial information, amino acid conservation, physicochemical variation, residue mobility, and thermodynamic stability) performed at Invitae indicates that this missense variant is not expected to disrupt TSC2 protein function. This variant has not been reported in the literature in individuals affected with TSC2-related conditions. This sequence change replaces aspartic acid, which is acidic and polar, with glutamic acid, which is acidic and polar, at codon 1636 of the TSC2 protein (p.Asp1636Glu).